The following is an entry in ClinVar:

ClinVar aggregate classification (germline): Uncertain significance. Review status: criteria provided, multiple submitters, no conflicts (2 of 4 stars). 2 submissions from 2 submitters: Uncertain significance (2). Last evaluated 2025-08-15.

Allele frequency attached by ClinVar (database versions not stated): gnomAD exomes below 0.00001.
gnomAD v4.1: 3 of 1,614,096 alleles (0.00019%); highest among the groups gnomAD compares: Non-Finnish European, 0.00025%; no homozygotes.

Submissions (2):

Ambry Genetics
Classification: Uncertain significance. Last evaluated: 2025-08-15. Review status: criteria provided, single submitter. Criteria: Ambry Variant Classification Scheme 2023. Collection method: clinical testing. Allele origin: germline.

Labcorp Genetics (formerly Invitae), Labcorp
Classification: Uncertain significance. Last evaluated: 2025-05-13. Review status: criteria provided, single submitter. Criteria: Invitae Variant Classification Sherloc (09022015). Collection method: clinical testing. Allele origin: germline.
Comment: This sequence change replaces arginine, which is basic and polar, with glycine, which is neutral and non-polar, at codon 661 of the MYLK3 protein (p.Arg661Gly). This variant is not present in population databases (gnomAD no frequency). This variant has not been reported in the literature in individuals affected with MYLK3-related conditions. ClinVar contains an entry for this variant (Variation ID: 3008585). An algorithm developed to predict the effect of missense changes on protein structure and function (PolyPhen-2) suggests that this variant is likely to be disruptive. In summary, the available evidence is currently insufficient to determine the role of this variant in disease. Therefore, it has been classified as a Variant of Uncertain Significance.

NM_182493.3(MYLK3):c.1981A>G (p.Arg661Gly)

Gene: MYLK3 (myosin light chain kinase 3; minus strand). Cytogenetic location: 16q11.2.
Variant type: single nucleotide variant.
Coding change: c.1981A>G on transcript NM_182493.3 (MANE Select); coding-DNA position 1981, A replaced by G.
Protein change: p.Arg661Gly; replaces arginine 661 with glycine.
Molecular consequence: missense variant.
Genome position (GRCh38, 1-based): chr16:46,721,127, T>C on the plus strand (A>G on the coding strand, the complement: MYLK3 is on the minus strand). VCF-style: chr16-46721127-T-C. GRCh37 (hg19) VCF-style: chr16-46755039-T-C.
Other names: c.1981A>G (NM_182493.2); c.958A>G, p.Arg320Gly (NM_001308301.1); short protein forms R320G, R661G.
Identifiers: ClinVar variation 3008585 (VCV003008585.4), dbSNP rs2548901640, ClinGen allele CA395789042.
Genomic context (GRCh38, chr16:46,721,127, plus strand): 5'-GAGCCACAAAGAGTCCCAAGGAATTTTGTTAAGGTATCTAAATAAAACCCCCTTACCTTC[T>C]GGCCAGCCCAAAGTCAATGATCTTAATTTGATGTCCTGTCTGATTGACGCACAATATGTT-3'
Protein context (NP_872299.2, residues 651-671): QIKIIDFGLA[Arg661Gly]RYKPREKLKV